The following is an entry in ClinVar:

ClinVar aggregate classification (germline): Uncertain significance (1 of 4 stars; one submission).

Conditions:
Inborn genetic diseases. Identifiers: MedGen C0950123, MeSH D030342.

Submission:

Ambry Genetics
Classification: Uncertain significance for Inborn genetic diseases. Last evaluated: 2025-04-17. Review status: criteria provided, single submitter. Criteria: Ambry Variant Classification Scheme 2023. Collection method: clinical testing. Allele origin: germline.
Comment: The p.D34N variant (also known as c.100G>A), located in coding exon 1 of the G6PC3 gene, results from a G to A substitution at nucleotide position 100. The aspartic acid at codon 34 is replaced by asparagine, an amino acid with highly similar properties. This amino acid position is conserved. In addition, this alteration is predicted to be tolerated by in silico analysis. Based on the available evidence, the clinical significance of this variant remains unclear.

NM_138387.4(G6PC3):c.100G>A (p.Asp34Asn)

Genes: G6PC3 (glucose-6-phosphatase catalytic subunit 3; plus strand), LOC130060959 (ATAC-STARR-seq lymphoblastoid active region 12250; plus strand). Cytogenetic location: 17q21.31.
Variant type: single nucleotide variant.
Coding change: c.100G>A on transcript NM_138387.4 (MANE Select); coding-DNA position 100, G replaced by A.
Protein change: p.Asp34Asn; replaces aspartic acid 34 with asparagine.
Molecular consequence: missense variant. On other transcripts: 5 prime UTR variant (3), intron variant (1).
Genome position (GRCh38, 1-based): chr17:44,071,065, G>A. VCF-style: chr17-44071065-G-A. GRCh37 (hg19) VCF-style: chr17-42148433-G-A.
Other names: c.100G>A, p.Asp34Asn (NM_001319945.2); c.-305G>A (NM_001384165.1); c.-440G>A (NM_001384166.1); c.-430G>A (NM_001384167.1); c.-312+351G>A (NM_001384168.1); short protein forms D34N.
Identifiers: ClinVar variation 4027586 (VCV004027586.1).